The following is an entry in ClinVar:

ClinVar aggregate classification (germline): Uncertain significance (1 of 4 stars; one submission).

Conditions:
POLD1-related polyposis and colorectal cancer syndrome (CRCS10). Also called: Colorectal cancer 10; COLORECTAL CANCER, SUSCEPTIBILITY TO, ON CHROMOSOME 19q; Colorectal cancer, susceptibility to, 10. Identifiers: Orphanet 220460, MedGen C2675481, MONDO:0012953, OMIM 612591.

Submission:

Labcorp Genetics (formerly Invitae), Labcorp
Classification: Uncertain significance for POLD1-related polyposis and colorectal cancer syndrome. Last evaluated: 2024-08-07. Review status: criteria provided, single submitter. Criteria: Invitae Variant Classification Sherloc (09022015). Collection method: clinical testing. Allele origin: germline.
Comment: This sequence change creates a premature translational stop signal (p.Pro333Argfs*301) in the POLD1 gene. Missense variants that disrupt the 3'-5' exonuclease (proof-reading) activity of the POLD1 protein are associated with PPAP (polymerase proofreading–associated polyposis) (PMID: 23263490, 23447401). However, loss-of-function variants that result in an absent or severely disrupted POLD1 protein, and missense variants outside the exonuclease domain, are unlikely to be associated with PPAP. This variant is not present in population databases (gnomAD no frequency). This variant has not been reported in the literature in individuals affected with POLD1-related conditions. In summary, the available evidence is currently insufficient to determine the role of this variant in disease. Therefore, it has been classified as a Variant of Uncertain Significance.

Literature cited by the submitters: PubMed 23263490; PubMed 23447401.

NM_002691.4(POLD1):c.998_999del (p.Pro333fs)

Gene: POLD1 (DNA polymerase delta 1, catalytic subunit; plus strand). Cytogenetic location: 19q13.33.
Variant type: Deletion.
Coding change: c.998_999del on transcript NM_002691.4 (MANE Select); coding-DNA positions 998 to 999, 2 bases deleted (CT; older notation c.998_999delCT).
Protein change: p.Pro333fs; shifts the reading frame from proline 333.
Molecular consequence: frameshift variant. On other transcripts: non-coding transcript variant (1).
Genome position (GRCh38, 1-based): chr19:50,403,080-50,403,081, CT deleted. VCF-style (leftmost placement, unchanged base first): chr19-50403079-CCT-C. GRCh37 (hg19) VCF-style: chr19-50906336-CCT-C.
Other names: c.998_999del, p.Pro333fs (NM_001256849.1, NM_001308632.1); short protein forms P333fs.
Identifiers: ClinVar variation 3661618 (VCV003661618.2).